The following is an entry in ClinVar:

NM_053025.4(MYLK):c.3565+13del

Gene: MYLK (myosin light chain kinase; minus strand). Cytogenetic location: 3q21.1.
Variant type: Deletion.
Coding change: c.3565+13del on transcript NM_053025.4 (MANE Select); 13 bases into the intron after coding-DNA position 3565, one base deleted (C; older notation c.3565+13delC).
Molecular consequence: intron variant.
Genome position (GRCh38, 1-based): chr3:123,692,722, G deleted on the plus strand (C on the coding strand, the reverse complement: MYLK is on the minus strand); the first of 3 consecutive G bases (chr3:123,692,722-123,692,724); deleting any one gives the same sequence. VCF-style (leftmost placement, unchanged base first): chr3-123692721-TG-T. GRCh37 (hg19) VCF-style: chr3-123411568-TG-T.
Other names: c.3037+13del (NM_001321309.2); c.3358+13del (NM_053028.4, NM_053026.4); c.3565+13del (NM_053027.4); c.3565+13delC (NM_053025.4).
Identifiers: ClinVar variation 1460766 (VCV001460766.10), dbSNP rs1246165675, ClinGen allele CA545975761.

ClinVar aggregate classification (germline): Likely benign. Review status: criteria provided, multiple submitters, no conflicts (2 of 4 stars). 2 submissions from 2 submitters: Likely benign (2). Last evaluated 2025-05-25.

Conditions:
Aortic aneurysm, familial thoracic 7 (AAT7). Also called: AORTIC DISSECTION, FAMILIAL, WITH OR WITHOUT AORTIC ANEURYSM. Identifiers: MedGen C3151077, MONDO:0013418, OMIM 613780.

Submissions (2):

Labcorp Genetics (formerly Invitae), Labcorp
Classification: Likely benign for Aortic aneurysm, familial thoracic 7. Last evaluated: 2025-05-25. Review status: criteria provided, single submitter. Criteria: Invitae Variant Classification Sherloc (09022015). Collection method: clinical testing. Allele origin: germline.

Women's Health and Genetics/Laboratory Corporation of America, LabCorp
Classification: Likely benign. Last evaluated: 2025-01-06. Review status: criteria provided, single submitter. Criteria: LabCorp Variant Classification Summary - May 2015. Collection method: clinical testing. Allele origin: germline.
Comment: Variant summary: MYLK c.3565+13delC alters a non-conserved nucleotide located at a position not widely known to affect splicing. Consensus agreement among computation tools predict no significant impact on normal splicing. However, these predictions have yet to be confirmed by functional studies. The variant allele was found at a frequency of 8e-06 in 250772 control chromosomes. The available data on variant occurrences in the general population are insufficient to allow any conclusion about variant significance. To our knowledge, no occurrence of c.3565+13delC in individuals affected with Aortopathy and no experimental evidence demonstrating its impact on protein function have been reported. ClinVar contains an entry for this variant (Variation ID: 1460766). Based on the evidence outlined above, the variant was classified as likely benign.